The following is an entry in ClinVar:

ClinVar aggregate classification (germline): Conflicting classifications of pathogenicity. Review status: criteria provided, conflicting classifications (1 of 4 stars). 3 submissions from 3 submitters: Uncertain significance (2); Likely benign (1). Last evaluated 2026-06-30.

Allele frequency attached by ClinVar (database versions not stated): TOPMed below 0.00001; gnomAD 0.00003; gnomAD exomes 0.00004 and 0.00009; ExAC 0.00009; 1000 Genomes Project 0.00020; 1000 Genomes Project 30x 0.00031.
gnomAD v4.1: 67 of 1,613,144 alleles (0.0042%); highest among the groups gnomAD compares: South Asian, 0.07%; no homozygotes.

Submissions (3):

GeneDx
Classification: Uncertain significance. Last evaluated: 2026-06-30. Review status: criteria provided, single submitter. Criteria: GeneDx Variant Classification Process June 2021. Collection method: clinical testing. Allele origin: germline.
Comment: In silico analysis supports that this missense variant has a deleterious effect on protein structure/function; Has not been previously published as pathogenic or benign to our knowledge

Labcorp Genetics (formerly Invitae), Labcorp
Classification: Likely benign. Last evaluated: 2026-01-26. Review status: criteria provided, single submitter. Criteria: Invitae Variant Classification Sherloc (09022015). Collection method: clinical testing. Allele origin: germline.

Blueprint Genetics
Classification: Uncertain significance. Last evaluated: 2023-06-12. Review status: criteria provided, single submitter. Criteria: ACMG Guidelines, 2015. Collection method: clinical testing. Allele origin: germline.

NM_032119.4(ADGRV1):c.13240G>A (p.Asp4414Asn)

Gene: ADGRV1 (adhesion G protein-coupled receptor V1; plus strand). Cytogenetic location: 5q14.3.
Variant type: single nucleotide variant.
Coding change: c.13240G>A on transcript NM_032119.4 (MANE Select); coding-DNA position 13240, G replaced by A.
Protein change: p.Asp4414Asn; replaces aspartic acid 4414 with asparagine.
Molecular consequence: missense variant. On other transcripts: non-coding transcript variant (1).
Genome position (GRCh38, 1-based): chr5:90,783,132, G>A. VCF-style: chr5-90783132-G-A. GRCh37 (hg19) VCF-style: chr5-90078949-G-A.
Other names: c.13240G>A (NM_032119.3); short protein forms D4414N.
Identifiers: ClinVar variation 1438055 (VCV001438055.9), dbSNP rs578245415, ClinGen allele CA3341483.